The following is an entry in ClinVar:

NM_005720.4(ARPC1B):c.1067T>A (p.Ile356Asn)

Gene: ARPC1B (actin related protein 2/3 complex subunit 1B; plus strand). Cytogenetic location: 7q22.1.
Variant type: single nucleotide variant.
Coding change: c.1067T>A on transcript NM_005720.4 (MANE Select); coding-DNA position 1067, T replaced by A.
Protein change: p.Ile356Asn; replaces isoleucine 356 with asparagine.
Molecular consequence: missense variant.
Genome position (GRCh38, 1-based): chr7:99,394,106, T>A. VCF-style: chr7-99394106-T-A. GRCh37 (hg19) VCF-style: chr7-98991729-T-A.
Other names: short protein forms I356N.
Identifiers: ClinVar variation 1438380 (VCV001438380.8), dbSNP rs1794683191, ClinGen allele CA368330153.

ClinVar aggregate classification (germline): Uncertain significance (1 of 4 stars; one submission).

Allele frequency attached by ClinVar (database versions not stated): gnomAD exomes below 0.00001.
gnomAD v4.1: 1 of 1,613,592 alleles (0.000062%); highest among the groups gnomAD compares: Middle Eastern, 0.016%; no homozygotes.

Submission:

Labcorp Genetics (formerly Invitae), Labcorp
Classification: Uncertain significance. Last evaluated: 2021-03-25. Review status: criteria provided, single submitter. Criteria: Invitae Variant Classification Sherloc (09022015). Collection method: clinical testing. Allele origin: germline.
Comment: In summary, the available evidence is currently insufficient to determine the role of this variant in disease. Therefore, it has been classified as a Variant of Uncertain Significance. Algorithms developed to predict the effect of missense changes on protein structure and function are either unavailable or do not agree on the potential impact of this missense change (SIFT: "Deleterious"; PolyPhen-2: "Probably Damaging"; Align-GVGD: "Class C0"). This variant has not been reported in the literature in individuals with ARPC1B-related conditions. This variant is not present in population databases (ExAC no frequency). This sequence change replaces isoleucine with asparagine at codon 356 of the ARPC1B protein (p.Ile356Asn). The isoleucine residue is highly conserved and there is a large physicochemical difference between isoleucine and asparagine.